The following is an entry in ClinVar:

NM_001271.4(CHD2):c.3614G>A (p.Arg1205Lys)

Gene: CHD2 (chromodomain helicase DNA binding protein 2; plus strand). Cytogenetic location: 15q26.1.
Variant type: single nucleotide variant.
Coding change: c.3614G>A on transcript NM_001271.4 (MANE Select); coding-DNA position 3614, G replaced by A.
Protein change: p.Arg1205Lys; replaces arginine 1205 with lysine.
Molecular consequence: missense variant.
Genome position (GRCh38, 1-based): chr15:92,996,975, G>A. VCF-style: chr15-92996975-G-A. GRCh37 (hg19) VCF-style: chr15-93540205-G-A.
Other names: short protein forms R1205K.
Identifiers: ClinVar variation 934754 (VCV000934754.14), dbSNP rs559187972, ClinGen allele CA7748277.

ClinVar aggregate classification (germline): Conflicting classifications of pathogenicity. Review status: criteria provided, conflicting classifications (1 of 4 stars). 3 submissions from 3 submitters: Uncertain significance (1); Likely benign (2). Last evaluated 2024-08-05.

Conditions:
Inborn genetic diseases. Identifiers: MedGen C0950123, MeSH D030342.
Developmental and epileptic encephalopathy 94 (DEE94). Also called: Epileptic encephalopathy, childhood-onset; CHD2-Related Neurodevelopmental Disorders. Identifiers: Orphanet 1942, Orphanet 2382, MedGen C3809278, MONDO:0014150, OMIM 615369.

Allele frequency attached by ClinVar (database versions not stated): ExAC 0.00001; gnomAD 0.00001; TOPMed 0.00001; gnomAD exomes 0.00002; 1000 Genomes Project 0.00020; 1000 Genomes Project 30x 0.00031.
gnomAD v4.1: 34 of 1,607,842 alleles (0.0021%); highest among the groups gnomAD compares: Admixed American, 0.0069%; no homozygotes.

Submissions (3):

Labcorp Genetics (formerly Invitae), Labcorp
Classification: Uncertain significance for Developmental and epileptic encephalopathy 94. Last evaluated: 2024-08-05. Review status: criteria provided, single submitter. Criteria: Invitae Variant Classification Sherloc (09022015). Collection method: clinical testing. Allele origin: germline.
Comment: This sequence change replaces arginine, which is basic and polar, with lysine, which is basic and polar, at codon 1205 of the CHD2 protein (p.Arg1205Lys). This variant is present in population databases (rs559187972, gnomAD 0.006%). This variant has not been reported in the literature in individuals affected with CHD2-related conditions. ClinVar contains an entry for this variant (Variation ID: 934754). Advanced modeling of protein sequence and biophysical properties (such as structural, functional, and spatial information, amino acid conservation, physicochemical variation, residue mobility, and thermodynamic stability) performed at Invitae indicates that this missense variant is not expected to disrupt CHD2 protein function with a negative predictive value of 95%. In summary, the available evidence is currently insufficient to determine the role of this variant in disease. Therefore, it has been classified as a Variant of Uncertain Significance.

GeneDx
Classification: Likely benign. Last evaluated: 2020-01-09. Review status: criteria provided, single submitter. Criteria: GeneDx Variant Classification Process June 2021. Collection method: clinical testing. Allele origin: germline. Affected: yes.

Ambry Genetics
Classification: Likely benign for Inborn genetic diseases. Last evaluated: 2018-01-31. Review status: criteria provided, single submitter. Criteria: Ambry Variant Classification Scheme 2023. Collection method: clinical testing. Allele origin: germline.